The following is an entry in ClinVar:

NM_000057.4(BLM):c.1624del (p.Asp542fs)

Gene: BLM (BLM RecQ like helicase; plus strand). Cytogenetic location: 15q26.1.
Variant type: Deletion.
Coding change: c.1624del on transcript NM_000057.4 (MANE Select); coding-DNA position 1624, one base deleted (G; older notation c.1624delG).
Protein change: p.Asp542fs; shifts the reading frame from aspartic acid 542.
Molecular consequence: frameshift variant.
Genome position (GRCh38, 1-based): chr15:90,760,997, G deleted. VCF-style (leftmost placement, unchanged base first): chr15-90760996-TG-T. GRCh37 (hg19) VCF-style: chr15-91304226-TG-T.
Other names: c.1624del, p.Asp542fs (NM_001287246.2, NM_001287247.2); c.499del, p.Asp167fs (NM_001287248.2); c.1624delG (NM_000057.2, NM_000057.3); short protein forms D542fs, D167fs.
Identifiers: ClinVar variation 819694 (VCV000819694.18), dbSNP rs747498968, ClinGen allele CA7738565.

ClinVar aggregate classification (germline): Pathogenic. Review status: criteria provided, multiple submitters, no conflicts (2 of 4 stars). 7 submissions from 7 submitters: Pathogenic (6). 1 of the submissions does not count toward it. Last evaluated 2025-03-06.

Conditions:
BLM-related disorder. Also called: BLM-related condition.
Hereditary cancer-predisposing syndrome. Also called: Neoplastic Syndromes, Hereditary; Tumor predisposition; Hereditary Cancer Syndrome; Hereditary neoplastic syndrome. Identifiers: Orphanet 140162, MedGen C0027672, MeSH D009386, MONDO:0015356.
Bloom syndrome (BLM). Also called: Bloom-Torre-Machacek syndrome. Identifiers: Orphanet 125, MedGen C0005859, MONDO:0008876, OMIM 210900.

Allele frequency attached by ClinVar (database versions not stated): gnomAD exomes below 0.00001 and 0.00003; ExAC 0.00001.

Submissions (7):

Labcorp Genetics (formerly Invitae), Labcorp
Classification: Pathogenic for Bloom syndrome. Last evaluated: 2025-03-06. Review status: criteria provided, single submitter. Criteria: Invitae Variant Classification Sherloc (09022015). Collection method: clinical testing. Allele origin: germline.
Comment: This sequence change creates a premature translational stop signal (p.Asp542Thrfs*2) in the BLM gene. It is expected to result in an absent or disrupted protein product. Loss-of-function variants in BLM are known to be pathogenic (PMID: 17407155). This variant is present in population databases (rs747498968, gnomAD 0.0009%). This variant has not been reported in the literature in individuals affected with BLM-related conditions. ClinVar contains an entry for this variant (Variation ID: 819694). For these reasons, this variant has been classified as Pathogenic.

Natera, Inc.
Classification: Pathogenic for Bloom syndrome. Last evaluated: 2024-08-14. Review status: criteria provided, single submitter. Criteria: Natera Variant Classification Schema (03/2026). Collection method: clinical testing. Allele origin: germline.
Comment: The c.1624delG variant in BLM is a frameshift variant predicted to shift the reading frame beginning at codon 542 and leads to a stop codon 2 codons downstream. This variant is expected to result in nonsense mediated decay, truncation, or a dysfunctional protein product. This variant is rare in the general population with a frequency below the threshold expected for the associated phenotype(s). This variant has been observed in one or more individuals affected with the associated recessive disease, as either homozygous or compound heterozygous with a second variant (PMID: 24932421). Given the available evidence, this variant is classified as Pathogenic.

Baylor Genetics
Classification: Pathogenic for Bloom syndrome. Last evaluated: 2023-10-05. Review status: criteria provided, single submitter. Criteria: ACMG Guidelines, 2015. Collection method: clinical testing. Allele origin: unknown.

Victorian Clinical Genetics Services, Murdoch Childrens Research Institute
Classification: Pathogenic for Bloom syndrome. Last evaluated: 2022-06-24. Review status: criteria provided, single submitter. Criteria: ACMG Guidelines, 2015. Collection method: clinical testing. Allele origin: germline. Inheritance: Autosomal recessive inheritance. Affected: yes.
Comment: Based on the classification scheme VCGS_Germline_v1.3.4, this variant is classified as Pathogenic. Following criteria are met: 0102 - Loss of function is a known mechanism of disease in this gene and is associated with Bloom syndrome (MIM#210900). (I) 0106 - This gene is associated with autosomal recessive disease. (I) 0201 - Variant is predicted to cause nonsense-mediated decay (NMD) and loss of protein (premature termination codon is located at least 54 nucleotides upstream of the final exon-exon junction). (SP) 0251 - This variant is heterozygous. (I) 0304 - Variant is present in gnomAD (v2) <0.01 for a recessive condition (1 heterozygote, 0 homozygotes). (SP) 0701 - Other NMD predicted variants comparable to the one identified in this case have very strong previous evidence for pathogenicity (DECIPHER). (SP) 0802 - This variant has moderate previous evidence of pathogenicity in unrelated individuals. This variant has been classified as pathogenic by several clinical laboratories in ClinVar and observed as compound heterozygous in an individual with Bloom syndrome (PMIDs: 24932421). (SP) 0905 - No published segregation evidence has been identified for this variant. (I) 1007 - No published functional evidence has been identified for this variant. (I) Legend: (SP) - Supporting pathogenic, (I) - Information, (SB) - Supporting benign

Ambry Genetics
Classification: Pathogenic for Hereditary cancer-predisposing syndrome. Last evaluated: 2019-09-19. Review status: criteria provided, single submitter. Criteria: Ambry Variant Classification Scheme 2023. Collection method: clinical testing. Allele origin: germline.
Comment: The c.1624delG pathogenic mutation, located in coding exon 6 of the BLM gene, results from a deletion of one nucleotide at nucleotide position 1624, causing a translational frameshift with a predicted alternate stop codon (p.D542Tfs*2). This mutation has been detected in conjunction with a pathogenic nonsense mutation in an individual with Bloom Syndrome (Adams M et al. J Genet Syndr Gene Ther, 2013 Sep;4). Additionally, this alteration was detected in a heterozygous state in 1/2000 individuals with breast cancer and 0/1997 controls from Australia (Thompson ER et al. J. Clin. Oncol. 2016 May;34(13):1455-9). In addition to the clinical data presented in the literature, this alteration is expected to result in loss of function by premature protein truncation or nonsense-mediated mRNA decay. As such, this alteration is interpreted as a disease-causing mutation.

Revvity Omics, Revvity
Classification: Pathogenic for Bloom syndrome. Last evaluated: 2019-05-05. Review status: criteria provided, single submitter. Criteria: ACMG Guidelines, 2015. Collection method: clinical testing. Allele origin: germline.

PreventionGenetics, part of Exact Sciences
Classification: Pathogenic for BLM-related condition. Last evaluated: 2024-05-03. Review status: no assertion criteria provided. Collection method: clinical testing. Allele origin: germline. Not counted in ClinVar's aggregate classification.
Comment: The BLM c.1624delG variant is predicted to result in a frameshift and premature protein termination (p.Asp542Thrfs*2). This variant has been reported as compound heterozygous with a nonsense variant in BLM in an individual with Bloom syndrome (Adams et al 2013. PubMed ID: 24932421) and as heterozygous in an individual with breast cancer from a cohort study of breast cancer patients (Thompson et al 2016. PubMed ID: 26786923). This variant is reported in 0.00089% of alleles in individuals of European (Non-Finnish) descent in gnomAD. This variant is interpreted as pathogenic in ClinVar. Frameshift variants in BLM are expected to be pathogenic. This variant is interpreted as pathogenic.

Literature cited by the submitters: PubMed 17407155 (cited by Labcorp Genetics (formerly Invitae), Labcorp); PubMed 24932421 (cited by 3 submitters).